The following is an entry in ClinVar:

ClinVar aggregate classification (germline): Uncertain significance. Review status: criteria provided, multiple submitters, no conflicts (2 of 4 stars). 2 submissions from 2 submitters: Uncertain significance (2). Last evaluated 2022-08-09.

Conditions:
Vici syndrome (VICIS). Identifiers: Orphanet 1493, MedGen C1855772, MONDO:0009452, OMIM 242840.

Allele frequency attached by ClinVar (database versions not stated): ExAC 0.00001.
gnomAD v4.1: 3 of 1,610,394 alleles (0.00019%); highest among the groups gnomAD compares: East Asian, 0.0022%; no homozygotes.

Submissions (2):

Labcorp Genetics (formerly Invitae), Labcorp
Classification: Uncertain significance for Vici syndrome. Last evaluated: 2022-08-09. Review status: criteria provided, single submitter. Criteria: Invitae Variant Classification Sherloc (09022015). Collection method: clinical testing. Allele origin: germline.
Comment: In summary, the available evidence is currently insufficient to determine the role of this variant in disease. Therefore, it has been classified as a Variant of Uncertain Significance. Algorithms developed to predict the effect of missense changes on protein structure and function output the following: SIFT: "Tolerated"; PolyPhen-2: "Benign"; Align-GVGD: "Class C0". The serine amino acid residue is found in multiple mammalian species, which suggests that this missense change does not adversely affect protein function. This variant has not been reported in the literature in individuals affected with EPG5-related conditions. This variant is present in population databases (rs748003451, gnomAD 0.006%). This sequence change replaces alanine, which is neutral and non-polar, with serine, which is neutral and polar, at codon 1875 of the EPG5 protein (p.Ala1875Ser).

Revvity Omics, Revvity
Classification: Uncertain significance for Vici syndrome. Last evaluated: 2021-12-20. Review status: criteria provided, single submitter. Criteria: ACMG Guidelines, 2015. Collection method: clinical testing. Allele origin: germline.

NM_020964.3(EPG5):c.5623G>T (p.Ala1875Ser)

Gene: EPG5 (ectopic P-granules 5 autophagy tethering factor; minus strand). Cytogenetic location: 18q12.3.
Variant type: single nucleotide variant.
Coding change: c.5623G>T on transcript NM_020964.3 (MANE Select); coding-DNA position 5623, G replaced by T.
Protein change: p.Ala1875Ser; replaces alanine 1875 with serine.
Molecular consequence: missense variant.
Genome position (GRCh38, 1-based): chr18:45,880,119, C>A on the plus strand (G>T on the coding strand, the complement: EPG5 is on the minus strand). VCF-style: chr18-45880119-C-A. GRCh37 (hg19) VCF-style: chr18-43460084-C-A.
Other names: c.5623G>T, p.Ala1875Ser (NM_001410858.1, NM_001410859.1); short protein forms A1875S.
Identifiers: ClinVar variation 1962626 (VCV001962626.8), dbSNP rs748003451, ClinGen allele CA8948539.